The following is an entry in ClinVar:

ClinVar aggregate classification (germline): Uncertain significance. Review status: criteria provided, multiple submitters, no conflicts (2 of 4 stars). 2 submissions from 2 submitters: Uncertain significance (2). Last evaluated 2025-06-12.

Conditions:
Epileptic encephalopathy. Identifiers: MedGen C0543888, HP:0200134.

Allele frequency attached by ClinVar (database versions not stated): TOPMed 0.00002; gnomAD 0.00003; gnomAD exomes 0.00003 and 0.00008; ExAC 0.00009.
gnomAD v4.1: 52 of 1,607,388 alleles (0.0032%); highest among the groups gnomAD compares: Admixed American, 0.0017%; no homozygotes.

Submissions (2):

Ambry Genetics
Classification: Uncertain significance. Last evaluated: 2025-06-12. Review status: criteria provided, single submitter. Criteria: Ambry Variant Classification Scheme 2023. Collection method: clinical testing. Allele origin: germline.

Labcorp Genetics (formerly Invitae), Labcorp
Classification: Uncertain significance for Epileptic encephalopathy. Last evaluated: 2022-11-03. Review status: criteria provided, single submitter. Criteria: Invitae Variant Classification Sherloc (09022015). Collection method: clinical testing. Allele origin: germline.
Comment: ClinVar contains an entry for this variant (Variation ID: 854318). In summary, the available evidence is currently insufficient to determine the role of this variant in disease. Therefore, it has been classified as a Variant of Uncertain Significance. Algorithms developed to predict the effect of missense changes on protein structure and function (SIFT, PolyPhen-2, Align-GVGD) all suggest that this variant is likely to be tolerated. This variant has not been reported in the literature in individuals affected with FASN-related conditions. This variant is present in population databases (rs17848948, gnomAD 0.09%), and has an allele count higher than expected for a pathogenic variant. This sequence change replaces serine, which is neutral and polar, with leucine, which is neutral and non-polar, at codon 2240 of the FASN protein (p.Ser2240Leu).

NM_004104.5(FASN):c.6719C>T (p.Ser2240Leu)

Gene: FASN (fatty acid synthase; minus strand). Cytogenetic location: 17q25.3.
Variant type: single nucleotide variant.
Coding change: c.6719C>T on transcript NM_004104.5 (MANE Select); coding-DNA position 6719, C replaced by T.
Protein change: p.Ser2240Leu; replaces serine 2240 with leucine.
Molecular consequence: missense variant.
Genome position (GRCh38, 1-based): chr17:82,080,799, G>A on the plus strand (C>T on the coding strand, the complement: FASN is on the minus strand). VCF-style: chr17-82080799-G-A. GRCh37 (hg19) VCF-style: chr17-80038675-G-A.
Other names: short protein forms S2240L.
Identifiers: ClinVar variation 854318 (VCV000854318.7), dbSNP rs17848948, ClinGen allele CA8851213.